The following is an entry in ClinVar:

NM_000264.5(PTCH1):c.2888-8C>T

Gene: PTCH1 (patched 1; minus strand). Cytogenetic location: 9q22.32.
Variant type: single nucleotide variant.
Coding change: c.2888-8C>T on transcript NM_000264.5 (MANE Select); 8 bases into the intron before coding-DNA position 2888, C replaced by T.
Molecular consequence: intron variant.
Genome position (GRCh38, 1-based): chr9:95,458,301, G>A on the plus strand (C>T on the coding strand, the complement: PTCH1 is on the minus strand). VCF-style: chr9-95458301-G-A. GRCh37 (hg19) VCF-style: chr9-98220583-G-A.
Other names: c.2885-8C>T (NM_001083603.3); c.2690-8C>T (NM_001083602.3); c.2732-8C>T (NM_001354918.2); c.2435-8C>T (NM_001083605.3, NM_001083604.3, NM_001083606.3 and 1 more transcripts).
Identifiers: ClinVar variation 215458 (VCV000215458.38), dbSNP rs567994836, ClinGen allele CA337571.

ClinVar aggregate classification (germline): Benign/Likely benign. Review status: criteria provided, multiple submitters, no conflicts (2 of 4 stars). 5 submissions from 5 submitters: Benign (3); Likely benign (2). Last evaluated 2025-12-22.

Conditions:
Hereditary cancer-predisposing syndrome. Also called: Tumor predisposition; Neoplastic Syndromes, Hereditary; Hereditary Cancer Syndrome; Hereditary neoplastic syndrome. Identifiers: Orphanet 140162, MedGen C0027672, MeSH D009386, MONDO:0015356.
Gorlin syndrome. Also called: Basal cell nevus syndrome; Nevoid Basal Cell Carcinoma Syndrome. Identifiers: Orphanet 377, MedGen C0004779, MONDO:0007187.

Allele frequency attached by ClinVar (database versions not stated): gnomAD below 0.00001 and 0.00006; TOPMed 0.00001; gnomAD exomes 0.00008 and 0.00016; 1000 Genomes Project 0.00020; ExAC 0.00020; 1000 Genomes Project 30x 0.00031.
gnomAD v4.1: 123 of 1,613,426 alleles (0.0076%); highest among the groups gnomAD compares: South Asian, 0.13%; no homozygotes.

Submissions (5):

Labcorp Genetics (formerly Invitae), Labcorp
Classification: Benign for Gorlin syndrome. Last evaluated: 2025-12-22. Review status: criteria provided, single submitter. Criteria: Invitae Variant Classification Sherloc (09022015). Collection method: clinical testing. Allele origin: germline.

Blueprint Genetics
Classification: Likely benign. Last evaluated: 2024-05-16. Review status: criteria provided, single submitter. Criteria: ACMG Guidelines, 2015. Collection method: clinical testing. Allele origin: germline.

CeGaT Center for Human Genetics Tuebingen
Classification: Benign. Last evaluated: 2022-09-01. Review status: criteria provided, single submitter. Criteria: CeGaT Center For Human Genetics Tuebingen Variant Classification Criteria Version 2. Collection method: clinical testing. Allele origin: germline. Affected: yes. Observed: 1 variant allele.
Comment: PTCH1: BS1, BS2

Sema4
Classification: Benign for Hereditary cancer-predisposing syndrome. Last evaluated: 2022-02-21. Review status: criteria provided, single submitter. Criteria: Sema4 Curation Guidelines. Collection method: curation. Allele origin: germline.

GeneDx
Classification: Likely benign. Last evaluated: 2021-01-07. Review status: criteria provided, single submitter. Criteria: GeneDx Variant Classification Process June 2021. Collection method: clinical testing. Allele origin: germline. Affected: yes.